The following is an entry in ClinVar:

NM_002234.4(KCNA5):c.1730G>A (p.Arg577Gln)

Gene: KCNA5 (potassium voltage-gated channel subfamily A member 5; plus strand). Cytogenetic location: 12p13.32.
Variant type: single nucleotide variant.
Coding change: c.1730G>A on transcript NM_002234.4 (MANE Select); coding-DNA position 1730, G replaced by A.
Protein change: p.Arg577Gln; replaces arginine 577 with glutamine.
Molecular consequence: missense variant.
Genome position (GRCh38, 1-based): chr12:5,045,877, G>A. VCF-style: chr12-5045877-G-A. GRCh37 (hg19) VCF-style: chr12-5155043-G-A.
Other names: c.1730G>A (NM_002234.2); short protein forms R577Q.
Identifiers: ClinVar variation 537311 (VCV000537311.14), dbSNP rs139805781, ClinGen allele CA6399935.
Genomic context (GRCh38, chr12:5,045,877, plus strand): 5'-GCGGGAGCAGGGGATCCTTCTGCAAGGCTGGGGGGACCCTGGAGAATGCAGACAGTGCCC[G>A]AAGGGGCAGCTGCCCCCTAGAGAAGTGTAACGTCAAGGCCAAGAGCAACGTGGACTTGCG-3'
Protein context (NP_002225.2, residues 567-587): GGTLENADSA[Arg577Gln]RGSCPLEKCN

ClinVar aggregate classification (germline): Uncertain significance. Review status: criteria provided, multiple submitters, no conflicts (2 of 4 stars). 4 submissions from 4 submitters: Uncertain significance (3). 1 of the submissions does not count toward it. Last evaluated 2026-01-27.

Conditions:
Pulmonary arterial hypertension. Identifiers: Orphanet 182090, MedGen C2973725, MeSH D000081029, MONDO:0015924, HP:0002092.
Atrial fibrillation, familial, 7 (ATFB7). Identifiers: MedGen C2677106, MONDO:0012828, OMIM 612240.

Allele frequency attached by ClinVar (database versions not stated): ExAC 0.00003; gnomAD exomes 0.00006; gnomAD 0.00009; ESP Exome Variant Server 0.00015; TOPMed 0.00020.

Submissions (4):

Labcorp Genetics (formerly Invitae), Labcorp
Classification: Uncertain significance for Atrial fibrillation, familial, 7. Last evaluated: 2026-01-27. Review status: criteria provided, single submitter. Criteria: Invitae Variant Classification Sherloc (09022015). Collection method: clinical testing. Allele origin: germline.
Comment: This sequence change replaces arginine, which is basic and polar, with glutamine, which is neutral and polar, at codon 577 of the KCNA5 protein (p.Arg577Gln). This variant is present in population databases (rs139805781, gnomAD 0.06%), and has an allele count higher than expected for a pathogenic variant. This variant has not been reported in the literature in individuals affected with KCNA5-related conditions. ClinVar contains an entry for this variant (Variation ID: 537311). An algorithm developed to predict the effect of missense changes on protein structure and function outputs the following: PolyPhen-2: "Benign". The glutamine amino acid residue is found in multiple mammalian species, which suggests that this missense change does not adversely affect protein function. In summary, the available evidence is currently insufficient to determine the role of this variant in disease. Therefore, it has been classified as a Variant of Uncertain Significance.

GeneDx
Classification: Uncertain significance. Last evaluated: 2025-08-12. Review status: criteria provided, single submitter. Criteria: GeneDx Variant Classification Process June 2021. Collection method: clinical testing. Allele origin: germline. Affected: yes.
Comment: In silico analysis suggests that this missense variant does not alter protein structure/function; Has not been previously published as pathogenic or benign to our knowledge

Fulgent Genetics
Classification: Uncertain significance for Atrial fibrillation, familial, 7. Last evaluated: 2021-09-18. Review status: criteria provided, single submitter. Criteria: ACMG Guidelines, 2015. Collection method: clinical testing. Allele origin: unknown.

John Welsh Cardiovascular Diagnostic Laboratory, Baylor College of Medicine
Classification: Likely benign for Pulmonary arterial hypertension. Last evaluated: 2022-09-26. Review status: no assertion criteria provided. Criteria: ACMG Guidelines, 2015. Collection method: clinical testing. Allele origin: germline. Not counted in ClinVar's aggregate classification.